The following is an entry in ClinVar:

NM_032380.5(GFM2):c.262G>A (p.Glu88Lys)

Gene: GFM2 (GTP dependent ribosome recycling factor mitochondrial 2; minus strand). Cytogenetic location: 5q13.3.
Variant type: single nucleotide variant.
Coding change: c.262G>A on transcript NM_032380.5 (MANE Select); coding-DNA position 262, G replaced by A.
Protein change: p.Glu88Lys; replaces glutamic acid 88 with lysine.
Molecular consequence: missense variant. On other transcripts: non-coding transcript variant (1).
Genome position (GRCh38, 1-based): chr5:74,758,891, C>T on the plus strand (G>A on the coding strand, the complement: GFM2 is on the minus strand). VCF-style: chr5-74758891-C-T. GRCh37 (hg19) VCF-style: chr5-74054716-C-T.
Other names: c.358G>A, p.Glu120Lys (NM_001281302.2); c.262G>A, p.Glu88Lys (NM_170681.3, NM_170691.3); short protein forms E88K, E120K.
Identifiers: ClinVar variation 2093075 (VCV002093075.4), dbSNP rs1180877014, ClinGen allele CA360086805.

ClinVar aggregate classification (germline): Uncertain significance (1 of 4 stars; one submission).

Allele frequency attached by ClinVar (database versions not stated): TOPMed below 0.00001; gnomAD 0.00001.
gnomAD v4.1: 1 of 1,610,130 alleles (0.000062%); highest among the groups gnomAD compares: Non-Finnish European, 0.000085%; no homozygotes.

Submission:

Labcorp Genetics (formerly Invitae), Labcorp
Classification: Uncertain significance. Last evaluated: 2025-07-14. Review status: criteria provided, single submitter. Criteria: Invitae Variant Classification Sherloc (09022015). Collection method: clinical testing. Allele origin: germline.
Comment: This sequence change replaces glutamic acid, which is acidic and polar, with lysine, which is basic and polar, at codon 88 of the GFM2 protein (p.Glu88Lys). This variant is not present in population databases (gnomAD no frequency). This variant has not been reported in the literature in individuals affected with GFM2-related conditions. ClinVar contains an entry for this variant (Variation ID: 2093075). Invitae Evidence Modeling of protein sequence and biophysical properties (such as structural, functional, and spatial information, amino acid conservation, physicochemical variation, residue mobility, and thermodynamic stability) indicates that this missense variant is expected to disrupt GFM2 protein function with a positive predictive value of 80%. In summary, the available evidence is currently insufficient to determine the role of this variant in disease. Therefore, it has been classified as a Variant of Uncertain Significance.